The following is an entry in ClinVar:

ClinVar aggregate classification (germline): Pathogenic (1 of 4 stars; one submission).

Conditions:
Neurofibromatosis, type 1 (NF1). Also called: Peripheral type neurofibromatosis; NEUROFIBROMATOSIS, TYPE I, SOMATIC; Neurofibromatosis, type I; VON RECKLINGHAUSEN DISEASE. Identifiers: Orphanet 636, MedGen C0027831, MONDO:0018975, OMIM 162200. Disease mechanism: loss of function.

Submission:

Labcorp Genetics (formerly Invitae), Labcorp
Classification: Pathogenic for Neurofibromatosis, type 1. Last evaluated: 2023-10-27. Review status: criteria provided, single submitter. Criteria: Invitae Variant Classification Sherloc (09022015). Collection method: clinical testing. Allele origin: germline.
Comment: This sequence change creates a premature translational stop signal (p.His415Ilefs*58) in the NF1 gene. It is expected to result in an absent or disrupted protein product. Loss-of-function variants in NF1 are known to be pathogenic (PMID: 10712197, 23913538). This variant is not present in population databases (gnomAD no frequency). This premature translational stop signal has been observed in individual(s) with neurofibromatosis type 1 (PMID: 31573083). For these reasons, this variant has been classified as Pathogenic.

Literature cited by the submitters: PubMed 10712197; PubMed 23913538; PubMed 31573083.

NM_001042492.3(NF1):c.1243del (p.His415fs)

Gene: NF1 (neurofibromin 1; plus strand). Cytogenetic location: 17q11.2.
Variant type: Deletion.
Coding change: c.1243del on transcript NM_001042492.3 (MANE Select); coding-DNA position 1243, one base deleted (C; older notation c.1243delC).
Protein change: p.His415fs; shifts the reading frame from histidine 415.
Molecular consequence: frameshift variant.
Genome position (GRCh38, 1-based): chr17:31,201,468, C deleted; the last of 2 consecutive C bases (chr17:31,201,467-31,201,468); deleting either gives the same sequence. VCF-style (leftmost placement, unchanged base first): chr17-31201466-TC-T. GRCh37 (hg19) VCF-style: chr17-29528484-TC-T.
Other names: c.1243delC, p.His415Ilefs (NM_000267.4); c.1243del, p.His415fs (NM_001128147.3); short protein forms H415fs.
Identifiers: ClinVar variation 2972843 (VCV002972843.3), dbSNP rs1085307728, ClinGen allele CA2695224746.